The following is an entry in ClinVar:

ClinVar aggregate classification (germline): Likely benign (1 of 4 stars; one submission).

Conditions:
Tuberous sclerosis 1 (TSC1). Identifiers: Orphanet 805, MedGen C1854465, MONDO:0008612, OMIM 191100.

Submission:

Myriad Genetics, Inc.
Classification: Likely benign for Tuberous sclerosis 1. Last evaluated: 2025-04-09. Review status: criteria provided, single submitter. Criteria: Myriad Autosomal Dominant, Autosomal Recessive and X-Linked Classification Criteria (2023). Collection method: clinical testing. Allele origin: unknown.
Comment: This variant is considered likely benign. This variant is intronic and is not expected to impact mRNA splicing.

NM_000368.5(TSC1):c.1264-13C>T

Gene: TSC1 (TSC complex subunit 1; minus strand). Cytogenetic location: 9q34.13.
Variant type: single nucleotide variant.
Coding change: c.1264-13C>T on transcript NM_000368.5 (MANE Select); 13 bases into the intron before coding-DNA position 1264, C replaced by T.
Molecular consequence: intron variant.
Genome position (GRCh38, 1-based): chr9:132,907,383, G>A on the plus strand (C>T on the coding strand, the complement: TSC1 is on the minus strand). VCF-style: chr9-132907383-G-A. GRCh37 (hg19) VCF-style: chr9-135782770-G-A.
Other names: c.1261-13C>T (NM_001406608.1, NM_001162426.2, NM_001406603.1 and 6 more transcripts); c.1264-13C>T (NM_001406601.1, NM_001406605.1, NM_001406602.1 and 7 more transcripts); c.211-13C>T (NM_001406630.1, NM_001406629.1); c.901-13C>T (NM_001406624.1, NM_001406616.1, NM_001406618.1 and 5 more transcripts); c.898-13C>T (NM_001406623.1, NM_001406620.1, NM_001406625.1 and 2 more transcripts); c.1108-13C>T (NM_001406613.1, NM_001406612.1, NM_001406611.1); c.1111-13C>T (NM_001406610.1, NM_001162427.2); c.310-13C>T (NM_001406627.1, NM_001406628.1); and 1 more.
Identifiers: ClinVar variation 4071330 (VCV004071330.1).